The following is an entry in ClinVar:

NM_007294.4(BRCA1):c.5455A>T (p.Asn1819Tyr)

Gene: BRCA1 (BRCA1 DNA repair associated; minus strand). Cytogenetic location: 17q21.31.
Variant type: single nucleotide variant.
Coding change: c.5455A>T on transcript NM_007294.4 (MANE Select); coding-DNA position 5455, A replaced by T.
Protein change: p.Asn1819Tyr; replaces asparagine 1819 with tyrosine.
Molecular consequence: missense variant. On other transcripts: non-coding transcript variant (1).
Genome position (GRCh38, 1-based): chr17:43,047,655, T>A on the plus strand (A>T on the coding strand, the complement: BRCA1 is on the minus strand). VCF-style: chr17-43047655-T-A. GRCh37 (hg19) VCF-style: chr17-41199672-T-A.
Other names: c.5242A>T, p.Asn1748Tyr (NM_001407571.1, NM_001407907.1, NM_001407908.1 and 12 more transcripts); c.5521A>T, p.Asn1841Tyr (NM_001407581.1, NM_001407582.1); c.5518A>T, p.Asn1840Tyr (NM_001407583.1, NM_001407585.1, NM_001407587.1 and 1 more transcripts); c.5515A>T, p.Asn1839Tyr (NM_001407590.1, NM_001407591.1); c.5455A>T, p.Asn1819Tyr (NM_001407593.1, NM_001407594.1, NM_001407596.1 and 5 more transcripts); c.5452A>T, p.Asn1818Tyr (NM_001407614.1, NM_001407615.1, NM_001407616.1 and 14 more transcripts); c.5449A>T, p.Asn1817Tyr (NM_001407633.1, NM_001407634.1, NM_001407635.1 and 13 more transcripts); c.5377A>T, p.Asn1793Tyr (NM_001407655.1, NM_001407652.1, NM_001407653.1 and 1 more transcripts); and 83 more; short protein forms N1819Y, Q690L, N1840Y, N1772Y, N715Y, N1522Y, N1730Y, N1735Y.
Identifiers: ClinVar variation 868511 (VCV000868511.12), dbSNP rs2050979993, ClinGen allele CA10590470.
Genomic context (GRCh38, chr17:43,047,655, plus strand): 5'-CCCATGCAAAAGGACCCCATATAGCACAGGTACATGCAGGCACCTTACCATGGAAGCCAT[T>A]GTCCTCTGTCCAGGCATCTGGCTGCACAACCACAATTGGGTGGACACCCTGGATCCCCAG-3'
Protein context (NP_009225.1, residues 1809-1829): VVQPDAWTED[Asn1819Tyr]GFHAIGQMCE

ClinVar aggregate classification (germline): Uncertain significance (1 of 4 stars; one submission).

Conditions:
Hereditary breast ovarian cancer syndrome. Also called: Hereditary breast and ovarian cancer; Hereditary breast and ovarian cancer syndrome (HBOC); Breast and ovarian cancer; Hereditary breast and/or ovarian cancer syndrome; BRCA1- and BRCA2-Associated Hereditary Breast and Ovarian Cancer; Hereditary breast and ovarian cancer syndrome. Identifiers: Orphanet 145, MedGen C0677776, MeSH D061325, MONDO:0003582. Disease mechanism: loss of function.

Submissions (2):

Labcorp Genetics (formerly Invitae), Labcorp
Classification: Uncertain significance for Hereditary breast ovarian cancer syndrome. Last evaluated: 2020-06-10. Review status: criteria provided, single submitter. Criteria: Invitae Variant Classification Sherloc (09022015). Collection method: clinical testing. Allele origin: germline.
Comment: In summary, the available evidence is currently insufficient to determine the role of this variant in disease. Therefore, it has been classified as a Variant of Uncertain Significance. This variant has been reported not to substantially affect BRCA1 protein function (PMID: 15004537, 30209399). This variant has not been reported in the literature in individuals with BRCA1-related conditions. ClinVar contains an entry for this variant (Variation ID: 868511). This variant is not present in population databases (ExAC no frequency). This sequence change replaces asparagine with tyrosine at codon 1819 of the BRCA1 protein (p.Asn1819Tyr). The asparagine residue is weakly conserved and there is a large physicochemical difference between asparagine and tyrosine.

Brotman Baty Institute, University of Washington
No classification provided (evidence only). Condition: Breast-ovarian cancer, familial 1. Review status: no classification provided. Collection method: in vitro. Allele origin: not applicable. Functional consequence: functionally_normal. Not counted in ClinVar's aggregate classification.
ClinVar note: "not provided" was previously submitted as the classification for the variant. However, the classification appeared to be based only on an observation of functional data so it was converted to no classification on 2025-07-30.

Literature cited by the submitters: PubMed 15004537 (cited by Labcorp Genetics (formerly Invitae), Labcorp); PubMed 30209399 (cited by Labcorp Genetics (formerly Invitae), Labcorp).